The following is an entry in ClinVar:

ClinVar aggregate classification (germline): Uncertain significance. Review status: criteria provided, multiple submitters, no conflicts (2 of 4 stars). 2 submissions from 2 submitters: Uncertain significance (2). Last evaluated 2025-05-01.

Conditions:
Inborn genetic diseases. Identifiers: MedGen C0950123, MeSH D030342.

Allele frequency attached by ClinVar (database versions not stated): ExAC 0.00001; TOPMed 0.00005; ESP Exome Variant Server 0.00008.

Submissions (2):

Ambry Genetics
Classification: Uncertain significance for Inborn genetic diseases. Last evaluated: 2025-05-01. Review status: criteria provided, single submitter. Criteria: Ambry Variant Classification Scheme 2023. Collection method: clinical testing. Allele origin: germline.

Labcorp Genetics (formerly Invitae), Labcorp
Classification: Uncertain significance. Last evaluated: 2025-04-30. Review status: criteria provided, single submitter. Criteria: Invitae Variant Classification Sherloc (09022015). Collection method: clinical testing. Allele origin: germline.
Comment: This sequence change replaces glutamine, which is neutral and polar, with histidine, which is basic and polar, at codon 624 of the COL9A3 protein (p.Gln624His). This variant is present in population databases (rs369283322, gnomAD 0.02%). This variant has not been reported in the literature in individuals affected with COL9A3-related conditions. ClinVar contains an entry for this variant (Variation ID: 2888050). Invitae Evidence Modeling of protein sequence and biophysical properties (such as structural, functional, and spatial information, amino acid conservation, physicochemical variation, residue mobility, and thermodynamic stability) indicates that this missense variant is not expected to disrupt COL9A3 protein function with a negative predictive value of 95%. In summary, the available evidence is currently insufficient to determine the role of this variant in disease. Therefore, it has been classified as a Variant of Uncertain Significance.

NM_001853.4(COL9A3):c.1872A>T (p.Gln624His)

Gene: COL9A3 (collagen type IX alpha 3 chain; plus strand). Cytogenetic location: 20q13.33.
Variant type: single nucleotide variant.
Coding change: c.1872A>T on transcript NM_001853.4 (MANE Select); coding-DNA position 1872, A replaced by T.
Protein change: p.Gln624His; replaces glutamine 624 with histidine.
Molecular consequence: missense variant.
Genome position (GRCh38, 1-based): chr20:62,840,549, A>T. VCF-style: chr20-62840549-A-T. GRCh37 (hg19) VCF-style: chr20-61471901-A-T.
Other names: c.1872A>T (NM_001853.3); short protein forms Q624H.
Identifiers: ClinVar variation 2888050 (VCV002888050.4), dbSNP rs369283322, ClinGen allele CA9950244.
Genomic context (GRCh38, chr20:62,840,549, plus strand): 5'-CCCTGCTTTCAGTCCGGGCTGCAGCTGAACTCACCTTTCTGCTCTGTCCCAAGGACCCCA[A>T]GGCGTGCCCGGCACCAGCAAGGACGGCCAGGACGGTGCTCCCGGCGAGCCTGGGCCTCCC-3'
Protein context (NP_001844.3, residues 614-634): PEGDQGPQGP[Gln624His]GVPGTSKDGQ